The following is an entry in ClinVar:

NM_001256317.3(TMPRSS3):c.917C>A (p.Ala306Asp)

Gene: TMPRSS3 (transmembrane serine protease 3; minus strand). Cytogenetic location: 21q22.3.
Variant type: single nucleotide variant.
Coding change: c.917C>A on transcript NM_001256317.3 (MANE Select); coding-DNA position 917, C replaced by A.
Protein change: p.Ala306Asp; replaces alanine 306 with aspartic acid.
Molecular consequence: missense variant.
Genome position (GRCh38, 1-based): chr21:42,382,100, G>T on the plus strand (C>A on the coding strand, the complement: TMPRSS3 is on the minus strand). VCF-style: chr21-42382100-G-T. GRCh37 (hg19) VCF-style: chr21-43802209-G-T.
Other names: c.917C>A, p.Ala306Asp (NM_024022.4, NM_032405.2); c.536C>A, p.Ala179Asp (NM_032404.3); short protein forms A306D, A179D.
Identifiers: ClinVar variation 2836923 (VCV002836923.3), dbSNP rs1259173797, ClinGen allele CA410372478.

ClinVar aggregate classification (germline): Likely pathogenic (1 of 4 stars; one submission).

gnomAD v4.1: 9 of 1,614,218 alleles (0.00056%); highest among the groups gnomAD compares: Non-Finnish European, 0.00076%; no homozygotes.

Submission:

Labcorp Genetics (formerly Invitae), Labcorp
Classification: Likely pathogenic. Last evaluated: 2023-12-28. Review status: criteria provided, single submitter. Criteria: Invitae Variant Classification Sherloc (09022015). Collection method: clinical testing. Allele origin: germline.
Comment: This sequence change replaces alanine, which is neutral and non-polar, with aspartic acid, which is acidic and polar, at codon 306 of the TMPRSS3 protein (p.Ala306Asp). This variant is present in population databases (no rsID available, gnomAD 0.0009%). This variant has not been reported in the literature in individuals affected with TMPRSS3-related conditions. Advanced modeling of protein sequence and biophysical properties (such as structural, functional, and spatial information, amino acid conservation, physicochemical variation, residue mobility, and thermodynamic stability) performed at Invitae indicates that this missense variant is expected to disrupt TMPRSS3 protein function with a positive predictive value of 95%. This variant disrupts the p.Ala306 amino acid residue in TMPRSS3. Other variant(s) that disrupt this residue have been determined to be pathogenic (PMID: 17551081, 23208854, 24526180, 28246597). This suggests that this residue is clinically significant, and that variants that disrupt this residue are likely to be disease-causing. In summary, the currently available evidence indicates that the variant is pathogenic, but additional data are needed to prove that conclusively. Therefore, this variant has been classified as Likely Pathogenic.

Literature cited by the submitters: PubMed 17551081; PubMed 23208854; PubMed 24526180; PubMed 28246597.